The following is an entry in ClinVar:

NM_000350.3(ABCA4):c.377G>A (p.Trp126Ter)

Gene: ABCA4 (ATP binding cassette subfamily A member 4; minus strand). Cytogenetic location: 1p22.1.
Variant type: single nucleotide variant.
Coding change: c.377G>A on transcript NM_000350.3 (MANE Select); coding-DNA position 377, G replaced by A.
Protein change: p.Trp126Ter; replaces tryptophan 126 with a stop codon.
Molecular consequence: nonsense.
Genome position (GRCh38, 1-based): chr1:94,108,642, C>T on the plus strand (G>A on the coding strand, the complement: ABCA4 is on the minus strand). VCF-style: chr1-94108642-C-T. GRCh37 (hg19) VCF-style: chr1-94574198-C-T.
Other names: c.377G>A, p.Trp126Ter (NM_001425324.1); short protein forms W126*.
Identifiers: ClinVar variation 2869570 (VCV002869570.3), dbSNP rs2523999467, ClinGen allele CA341293091.

ClinVar aggregate classification (germline): Pathogenic (1 of 4 stars; one submission).

Submission:

Labcorp Genetics (formerly Invitae), Labcorp
Classification: Pathogenic. Last evaluated: 2023-05-16. Review status: criteria provided, single submitter. Criteria: Invitae Variant Classification Sherloc (09022015). Collection method: clinical testing. Allele origin: germline.
Comment: This variant is not present in population databases (gnomAD no frequency). For these reasons, this variant has been classified as Pathogenic. This premature translational stop signal has been observed in individual(s) with Stargardt disease (PMID: 32619608). This sequence change creates a premature translational stop signal (p.Trp126*) in the ABCA4 gene. It is expected to result in an absent or disrupted protein product. Loss-of-function variants in ABCA4 are known to be pathogenic (PMID: 10958761, 24938718, 25312043, 26780318).

Literature cited by the submitters: PubMed 32619608; PubMed 10958761; PubMed 24938718; PubMed 25312043; PubMed 26780318.